The following is an entry in ClinVar:

ClinVar aggregate classification (germline): Conflicting classifications of pathogenicity. Review status: criteria provided, conflicting classifications (1 of 4 stars). 4 submissions from 4 submitters: Pathogenic (1); Uncertain significance (1). 2 of the submissions do not count toward it. Last evaluated 2024-04-01.

Conditions:
Amyotrophic lateral sclerosis type 19. Identifiers: Orphanet 803, MedGen C3715155, MONDO:0014223, OMIM 615515.

Allele frequency attached by ClinVar (database versions not stated): gnomAD 0.00001; TOPMed 0.00001; gnomAD exomes 0.00004; ExAC 0.00007.
gnomAD v4.1: 56 of 1,613,892 alleles (0.0035%); highest among the groups gnomAD compares: East Asian, 0.011%; no homozygotes.

Submissions (4):

CeGaT Center for Human Genetics Tuebingen
Classification: Uncertain significance. Last evaluated: 2024-04-01. Review status: criteria provided, single submitter. Criteria: CeGaT Center For Human Genetics Tuebingen Variant Classification Criteria Version 2. Collection method: clinical testing. Allele origin: germline. Affected: yes. Observed: 1 variant allele.
Comment: ERBB4: PM2:Supporting, PS2:Supporting, PS3:Supporting, PS4:Supporting

Labcorp Genetics (formerly Invitae), Labcorp
Classification: Pathogenic. Last evaluated: 2022-07-13. Review status: criteria provided, single submitter. Criteria: Invitae Variant Classification Sherloc (09022015). Collection method: clinical testing. Allele origin: germline.
Comment: Algorithms developed to predict the effect of missense changes on protein structure and function are either unavailable or do not agree on the potential impact of this missense change (SIFT: "Deleterious"; PolyPhen-2: "Possibly Damaging"; Align-GVGD: "Class C0"). ClinVar contains an entry for this variant (Variation ID: 64626). This missense change has been observed in individual(s) with amyotrophic lateral sclerosis (PMID: 24119685). In at least one individual the variant was observed to be de novo. This variant is present in population databases (rs397514263, gnomAD 0.009%). This sequence change replaces arginine, which is basic and polar, with tryptophan, which is neutral and slightly polar, at codon 1275 of the ERBB4 protein (p.Arg1275Trp). Experimental studies have shown that this missense change affects ERBB4 function (PMID: 24119685). For these reasons, this variant has been classified as Pathogenic.

Department of Neurology The University of Tokyo, Graduate School of Medicine
Classification: Pathogenic. Review status: no assertion criteria provided. Collection method: not provided. Allele origin: germline. Not counted in ClinVar's aggregate classification.
ClinVar note: Converted during submission from pathogenic to Pathogenic.

OMIM
Classification: Pathogenic for AMYOTROPHIC LATERAL SCLEROSIS 19. Last evaluated: 2013-11-07. Review status: flagged submission. Collection method: literature only. Allele origin: germline. Not counted in ClinVar's aggregate classification.
ClinVar note: Notes: Flagging candidate with reason of insufficient supporting evidence. This gene has been classified as having a limited gene-disease relationship by a ClinGen Expert Panel.
ClinVar note: Reason: Other

Literature cited by the submitters: PubMed 24119685 (cited by Labcorp Genetics (formerly Invitae), Labcorp and OMIM).

NM_005235.3(ERBB4):c.3823C>T (p.Arg1275Trp)

Gene: ERBB4 (erb-b2 receptor tyrosine kinase 4; minus strand). Cytogenetic location: 2q34.
Variant type: single nucleotide variant.
Coding change: c.3823C>T on transcript NM_005235.3 (MANE Select); coding-DNA position 3823, C replaced by T.
Protein change: p.Arg1275Trp; replaces arginine 1275 with tryptophan.
Molecular consequence: missense variant.
Genome position (GRCh38, 1-based): chr2:211,383,719, G>A on the plus strand (C>T on the coding strand, the complement: ERBB4 is on the minus strand). VCF-style: chr2-211383719-G-A. GRCh37 (hg19) VCF-style: chr2-212248444-G-A.
Other names: c.3775C>T, p.Arg1259Trp (NM_001042599.2); short protein forms R1275W, R1259W.
Identifiers: ClinVar variation 64626 (VCV000064626.26), dbSNP rs397514263, ClinGen allele CA216502.
Genomic context (GRCh38, chr2:211,383,719, plus strand): 5'-CAGTGCCTGGCTTCAGGGAGAACTCAGAGAGGTATTCAGGATTCTCTGCCACAATAGGCC[G>A]GATCCGCCCATTCTGTTTATAAAAATATTTTGTGCTGTACTCCTGCAGGTAGTCTGGGTG-3'
Protein context (NP_005226.1, residues 1265-1285): KYFYKQNGRI[Arg1275Trp]PIVAENPEYL